The following is an entry in ClinVar:

NM_003384.3(VRK1):c.176C>T (p.Ser59Leu)

Gene: VRK1 (VRK serine/threonine kinase 1; plus strand). Cytogenetic location: 14q32.2.
Variant type: single nucleotide variant.
Coding change: c.176C>T on transcript NM_003384.3 (MANE Select); coding-DNA position 176, C replaced by T.
Protein change: p.Ser59Leu; replaces serine 59 with leucine.
Molecular consequence: missense variant.
Genome position (GRCh38, 1-based): chr14:96,837,777, C>T. VCF-style: chr14-96837777-C-T. GRCh37 (hg19) VCF-style: chr14-97304114-C-T.
Other names: short protein forms S59L.
Identifiers: ClinVar variation 451753 (VCV000451753.11), dbSNP rs1474265077, ClinGen allele CA390931834.

ClinVar aggregate classification (germline): Uncertain significance. Review status: criteria provided, multiple submitters, no conflicts (2 of 4 stars). 4 submissions from 4 submitters: Uncertain significance (3). 1 of the submissions does not count toward it. Last evaluated 2024-11-06.

Conditions:
Inborn genetic diseases. Identifiers: MedGen C0950123, MeSH D030342.
Pontocerebellar hypoplasia type 1A (PCH1A). Also called: PONTOCEREBELLAR HYPOPLASIA WITH ANTERIOR HORN CELL DISEASE; PONTOCEREBELLAR HYPOPLASIA WITH INFANTILE SPINAL MUSCULAR ATROPHY. Identifiers: Orphanet 2254, Orphanet 88616, MedGen C1843504, MONDO:0011866, OMIM 607596.

Allele frequency attached by ClinVar (database versions not stated): gnomAD 0.00001; gnomAD exomes 0.00001; TOPMed 0.00001.
gnomAD v4.1: 21 of 1,565,460 alleles (0.0013%); highest among the groups gnomAD compares: Non-Finnish European, 0.0017%; no homozygotes.

Submissions (4):

Ambry Genetics
Classification: Uncertain significance for Inborn genetic diseases. Last evaluated: 2024-11-06. Review status: criteria provided, single submitter. Criteria: Ambry Variant Classification Scheme 2023. Collection method: clinical testing. Allele origin: germline.
Comment: The c.176C>T (p.S59L) alteration is located in exon 3 (coding exon 2) of the VRK1 gene. This alteration results from a C to T substitution at nucleotide position 176, causing the serine (S) at amino acid position 59 to be replaced by a leucine (L). Based on data from gnomAD, the T allele has an overall frequency of <0.001% (1/152010) total alleles studied. The highest observed frequency was 0.001% (1/67978) of European (non-Finnish) alleles. This nucleotide position is highly conserved in available vertebrate species. This amino acid position is highly conserved in available vertebrate species. The in silico prediction for this amino acid alteration is inconclusive. In silico splice site analysis predicts that this nucleotide alteration may weaken the native splice acceptor site. Based on insufficient or conflicting evidence, the clinical significance of this alteration remains unclear.

Labcorp Genetics (formerly Invitae), Labcorp
Classification: Uncertain significance for Pontocerebellar hypoplasia type 1A. Last evaluated: 2021-09-08. Review status: criteria provided, single submitter. Criteria: Invitae Variant Classification Sherloc (09022015). Collection method: clinical testing. Allele origin: germline.
Comment: This sequence change replaces serine with leucine at codon 59 of the VRK1 protein (p.Ser59Leu). The serine residue is moderately conserved and there is a large physicochemical difference between serine and leucine. This variant is not present in population databases (ExAC no frequency). This variant has not been reported in the literature in individuals affected with VRK1-related conditions. ClinVar contains an entry for this variant (Variation ID: 451753). Algorithms developed to predict the effect of missense changes on protein structure and function (SIFT, PolyPhen-2, Align-GVGD) all suggest that this variant is likely to be tolerated. In summary, the available evidence is currently insufficient to determine the role of this variant in disease. Therefore, it has been classified as a Variant of Uncertain Significance.

GeneDx
Classification: Uncertain significance. Last evaluated: 2017-08-30. Review status: criteria provided, single submitter. Criteria: GeneDx Variant Classification (06012015). Collection method: clinical testing. Allele origin: germline. Affected: yes.
Comment: The S59L variant in the VRK1 gene has not been reported previously as a pathogenic variant, nor as a benign variant, to our knowledge. The S59L variant is not observed in large population cohorts (Lek et al., 2016; 1000 Genomes Consortium et al., 2015; Exome Variant Server). The S59L variant is a non-conservative amino acid substitution, which is likely to impact secondary protein structure as these residues differ in polarity, charge, size and/or other properties. This substitution occurs at a position that is conserved across species, and in silico analysis predicts this variant is probably damaging to the protein structure/function. We interpret S59L as a variant of uncertain significance.

Natera, Inc.
Classification: Uncertain significance for Pontocerebellar hypoplasia, type 1a. Last evaluated: 2021-01-05. Review status: no assertion criteria provided. Collection method: clinical testing. Allele origin: germline. Not counted in ClinVar's aggregate classification.